The following is an entry in ClinVar:

NM_000458.4(HNF1B):c.457C>A (p.His153Asn)

Gene: HNF1B (HNF1 homeobox B; minus strand). Cytogenetic location: 17q12.
Variant type: single nucleotide variant.
Coding change: c.457C>A on transcript NM_000458.4 (MANE Select); coding-DNA position 457, C replaced by A.
Protein change: p.His153Asn; replaces histidine 153 with asparagine.
Molecular consequence: missense variant.
Genome position (GRCh38, 1-based): chr17:37,739,527, G>T on the plus strand (C>A on the coding strand, the complement: HNF1B is on the minus strand). VCF-style: chr17-37739527-G-T. GRCh37 (hg19) VCF-style: chr17-36099518-G-T.
Other names: c.457C>A, p.His153Asn (NM_001165923.4, NM_001304286.2); short protein forms H153N.
Identifiers: ClinVar variation 635695 (VCV000635695.1), dbSNP rs2511829092, ClinGen allele CA398751379.

ClinVar aggregate classification (germline): Pathogenic (1 of 4 stars; one submission).

Conditions:
Renal cysts and diabetes syndrome (RCAD). Also called: Familial hypoplastic, glomerulocystic kidney; MATURITY-ONSET DIABETES OF THE YOUNG, TYPE 5. Identifiers: Orphanet 93111, MedGen C0431693, MONDO:0007669, OMIM 137920.

Submission:

Institute of Human Genetics, FAU Erlangen, Friedrich-Alexander-Universität Erlangen-Nürnberg
Classification: Pathogenic for Renal cysts and diabetes syndrome. Last evaluated: 2019-07-06. Review status: criteria provided, single submitter. Criteria: ACMG Guidelines, 2015. Collection method: literature only. Allele origin: germline. Affected: yes.
Comment: This variant and it's classification has been reported by Vasileiou et al. 2019; DOI:10.1101/576918. The variants has previously been reported in PMID:25700310; PMID:15001636; PMID:25536396 as "c.457C>A; c.457C>A" with clinical significance Pathogenic. It has been re-classified using InterVar and manual curation as Pathogenic based on PS3 PM1 PM2 PP3 PP5.

Literature cited by the submitters: PubMed 25700310; PubMed 15001636; PubMed 25536396; DOI 10.1101/576918.